The following is an entry in ClinVar:

ClinVar aggregate classification (germline): Uncertain significance (1 of 4 stars; one submission).

Conditions:
Neuropathy, hereditary sensory, type 2C. Also called: KIF1A-Related HSAN2 (HSAN2C); Hereditary sensory and autonomic neuropathy type IIC. Identifiers: Orphanet 970, MedGen C3280168, MONDO:0013634, OMIM 614213.
Hereditary spastic paraplegia 30. Identifiers: Orphanet 101010, MedGen C5235139, MONDO:0012476.
Intellectual disability, autosomal dominant 9 (NESCAVS). Also called: NESCAV SYNDROME; KIF1A-Related Neurodevelopmental Disorder. Identifiers: Orphanet 662367, MedGen C5393830, MONDO:0013656, OMIM 614255.

Submission:

Labcorp Genetics (formerly Invitae), Labcorp
Classification: Uncertain significance for Hereditary spastic paraplegia 30; Neuropathy, hereditary sensory, type 2C; Intellectual disability, autosomal dominant 9. Last evaluated: 2023-07-25. Review status: criteria provided, single submitter. Criteria: Invitae Variant Classification Sherloc (09022015). Collection method: clinical testing. Allele origin: germline.
Comment: This sequence change affects codon 553 of the KIF1A mRNA. It is a 'silent' change, meaning that it does not change the encoded amino acid sequence of the KIF1A protein. This variant is not present in population databases (gnomAD no frequency). This variant has not been reported in the literature in individuals affected with KIF1A-related conditions. Algorithms developed to predict the effect of sequence changes on RNA splicing suggest that this variant may create or strengthen a splice site. In summary, the available evidence is currently insufficient to determine the role of this variant in disease. Therefore, it has been classified as a Variant of Uncertain Significance.

NM_001244008.2(KIF1A):c.1686T>A (p.Ala562=)

Gene: KIF1A (kinesin family member 1A; minus strand). Cytogenetic location: 2q37.3.
Variant type: single nucleotide variant.
Coding change: c.1686T>A on transcript NM_001244008.2 (MANE Select); coding-DNA position 1686, T replaced by A.
Protein change: p.Ala562=; no amino-acid change (alanine 562 retained).
Molecular consequence: synonymous variant.
Genome position (GRCh38, 1-based): chr2:240,765,792, A>T on the plus strand (T>A on the coding strand, the complement: KIF1A is on the minus strand). VCF-style: chr2-240765792-A-T. GRCh37 (hg19) VCF-style: chr2-241705209-A-T.
Other names: c.1686T>A, p.Ala562= (NM_001320705.2, NM_001330289.2, NM_001379638.1); c.1761T>A, p.Ala587= (NM_001330290.2, NM_001379631.1, NM_001379634.1 and 2 more transcripts); c.1659T>A, p.Ala553= (NM_001379632.1, NM_001379633.1, NM_001379636.1 and 11 more transcripts); c.1734T>A, p.Ala578= (NM_001379637.1, NM_001379648.1).
Identifiers: ClinVar variation 2950303 (VCV002950303.3), dbSNP rs2537729691, ClinGen allele CA432036344.
Genomic context (GRCh38, chr2:240,765,792, plus strand): 5'-TGTGACTTTCTTGCCATTGACGTAGGTGTCTGCCCCCTCACAGGGCTCCAAGGTCACCAC[A>T]GCTACAGGAAAGGTGGGAGGGGCAGAGAGGAGGACTATGAGGGGCTGTCACCTACAGCAG-3'
Protein context (NP_001230937.1, residues 552-572): FRSDSRGGSE[Ala562=]VVTLEPCEGA